The following is an entry in ClinVar:

ClinVar aggregate classification (germline): Benign. Review status: criteria provided, multiple submitters, no conflicts (2 of 4 stars). 2 submissions from 2 submitters: Benign (2). Last evaluated 2018-01-13.

Conditions:
Cardiac arrhythmia, ankyrin-B-related. Also called: ANKYRIN-B SYNDROME. Identifiers: Orphanet 101016, Orphanet 768, MedGen C1970119, MONDO:0010958, OMIM 600919.

Allele frequency attached by ClinVar (database versions not stated): 1000 Genomes Project 0.03874; 1000 Genomes Project 30x 0.03982; TOPMed 0.07139; gnomAD 0.07607 and 0.07744; gnomAD exomes 0.08958.
gnomAD v4.1: 11,659 of 152,896 alleles (7.6%); highest among the groups gnomAD compares: Middle Eastern, 18%; 642 homozygotes.

Submissions (2):

Illumina Laboratory Services, Illumina
Classification: Benign for Cardiac arrhythmia, ankyrin-B-related. Last evaluated: 2018-01-13. Review status: criteria provided, single submitter. Criteria: ICSL Variant Classification Criteria 13 December 2019. Collection method: clinical testing. Allele origin: germline.
Comment: This variant was observed in the ICSL laboratory as part of a predisposition screen in an ostensibly healthy population. It had not been previously curated by ICSL or reported in the Human Gene Mutation Database (HGMD: prior to June 1st, 2018), and was therefore a candidate for classification through an automated scoring system. Utilizing variant allele frequency, disease prevalence and penetrance estimates, and inheritance mode, an automated score was calculated to assess if this variant is too frequent to cause the disease. Based on the score and internal cut-off values, a variant classified as benign is not then subjected to further curation. The score for this variant resulted in a classification of benign for this disease.

Breakthrough Genomics
Classification: Benign. Review status: criteria provided, single submitter. Criteria: ACMG Guidelines, 2015. Collection method: not provided. Allele origin: germline. Inheritance: Autosomal dominant inheritance. Affected: yes.

NM_001148.6(ANK2):c.*908A>G

Gene: ANK2 (ankyrin 2; plus strand). Cytogenetic location: 4q26.
Variant type: single nucleotide variant.
Coding change: c.*908A>G on transcript NM_001148.6 (MANE Select); 908 bases downstream of the stop codon, A replaced by G.
Molecular consequence: 3 prime UTR variant.
Genome position (GRCh38, 1-based): chr4:113,382,379, A>G. VCF-style: chr4-113382379-A-G. GRCh37 (hg19) VCF-style: chr4-114303535-A-G.
Other names: c.*908A>G (NM_001354260.2, NM_001354261.2, NM_001354262.2 and 67 more transcripts); c.*739A>G (NM_001386174.1, NM_001386175.1).
Identifiers: ClinVar variation 347358 (VCV000347358.6), dbSNP rs11550170, ClinGen allele CA10619968.